The following is an entry in ClinVar:

ClinVar aggregate classification (germline): Uncertain significance. Review status: criteria provided, multiple submitters, no conflicts (2 of 4 stars). 2 submissions from 2 submitters: Uncertain significance (2). Last evaluated 2026-07-10.

Conditions:
Early-infantile DEE. Also called: Early infantile epileptic encephalopathy; Ohtahara syndrome; Early infantile epileptic encephalopathy with suppression bursts. Identifiers: Orphanet 1934, MedGen C0393706, MONDO:0800491.

Allele frequency attached by ClinVar (database versions not stated): gnomAD 0.00001; TOPMed 0.00001; gnomAD exomes below 0.00001 and 0.00001; ExAC 0.00001.
gnomAD v4.1: 13 of 1,613,406 alleles (0.00081%); highest among the groups gnomAD compares: Non-Finnish European, 0.0011%; no homozygotes.

Submissions (2):

GeneDx
Classification: Uncertain significance. Last evaluated: 2026-07-10. Review status: criteria provided, single submitter. Criteria: GeneDx Variant Classification Process June 2021. Collection method: clinical testing. Allele origin: germline.
Comment: In silico analysis supports that this missense variant has a deleterious effect on protein structure/function; Has not been previously published as pathogenic or benign to our knowledge

Labcorp Genetics (formerly Invitae), Labcorp
Classification: Uncertain significance for Early-infantile DEE. Last evaluated: 2024-11-21. Review status: criteria provided, single submitter. Criteria: Invitae Variant Classification Sherloc (09022015). Collection method: clinical testing. Allele origin: germline.
Comment: This sequence change replaces valine, which is neutral and non-polar, with methionine, which is neutral and non-polar, at codon 108 of the KCNQ2 protein (p.Val108Met). This variant is present in population databases (rs749164961, gnomAD 0.002%). This variant has not been reported in the literature in individuals affected with KCNQ2-related conditions. ClinVar contains an entry for this variant (Variation ID: 391566). Invitae Evidence Modeling of protein sequence and biophysical properties (such as structural, functional, and spatial information, amino acid conservation, physicochemical variation, residue mobility, and thermodynamic stability) indicates that this missense variant is expected to disrupt KCNQ2 protein function with a positive predictive value of 95%. In summary, the available evidence is currently insufficient to determine the role of this variant in disease. Therefore, it has been classified as a Variant of Uncertain Significance.

NM_172107.4(KCNQ2):c.322G>A (p.Val108Met)

Gene: KCNQ2 (potassium voltage-gated channel subfamily Q member 2; minus strand). Cytogenetic location: 20q13.33.
Variant type: single nucleotide variant.
Coding change: c.322G>A on transcript NM_172107.4 (MANE Select); coding-DNA position 322, G replaced by A.
Protein change: p.Val108Met; replaces valine 108 with methionine.
Molecular consequence: missense variant.
Genome position (GRCh38, 1-based): chr20:63,446,812, C>T on the plus strand (G>A on the coding strand, the complement: KCNQ2 is on the minus strand). VCF-style: chr20-63446812-C-T. GRCh37 (hg19) VCF-style: chr20-62078165-C-T.
Other names: c.322G>A, p.Val108Met (NM_004518.6, NM_172106.3, NM_172108.5 and 1 more transcripts); short protein forms V108M.
Identifiers: ClinVar variation 391566 (VCV000391566.11), dbSNP rs749164961, ClinGen allele CA9958856.